The following is an entry in ClinVar:

NM_007194.4(CHEK2):c.1286A>G (p.Glu429Gly)

Gene: CHEK2 (checkpoint kinase 2; minus strand). Cytogenetic location: 22q12.1.
Variant type: single nucleotide variant.
Coding change: c.1286A>G on transcript NM_007194.4 (MANE Select); coding-DNA position 1286, A replaced by G.
Protein change: p.Glu429Gly; replaces glutamic acid 429 with glycine.
Molecular consequence: missense variant.
Genome position (GRCh38, 1-based): chr22:28,695,216, T>C on the plus strand (A>G on the coding strand, the complement: CHEK2 is on the minus strand). VCF-style: chr22-28695216-T-C. GRCh37 (hg19) VCF-style: chr22-29091204-T-C.
Other names: c.1415A>G, p.Glu472Gly (NM_001005735.3); c.623A>G, p.Glu208Gly (NM_001257387.3); c.1085A>G, p.Glu362Gly (NM_001349956.3); c.1199A>G, p.Glu400Gly (NM_145862.3); short protein forms E429G, E400G, E472G, E208G, E362G.
Identifiers: ClinVar variation 142195 (VCV000142195.10), dbSNP rs587782299, ClinGen allele CA167729.
Genomic context (GRCh38, chr22:28,695,216, plus strand): 5'-GGAATGAAGTTGTATTTTCCACTGGTGATCTGATCCTTCAGTGACACTTGAGTCCTATGC[T>C]CAGAGAAAGGTGGATACCCACTAAGGCTTAATATTGGTAGAGAGAGAAAGGAAAAGAAAT-3'
Protein context (NP_009125.1, residues 419-439): ICLSGYPPFS[Glu429Gly]HRTQVSLKDQ

ClinVar aggregate classification (germline): Uncertain significance. Review status: criteria provided, multiple submitters, no conflicts (2 of 4 stars). 2 submissions from 2 submitters: Uncertain significance (2). Last evaluated 2024-08-15.

Conditions:
Hereditary cancer-predisposing syndrome. Also called: Neoplastic Syndromes, Hereditary; Tumor predisposition; Hereditary Cancer Syndrome; Hereditary neoplastic syndrome. Identifiers: Orphanet 140162, MedGen C0027672, MeSH D009386, MONDO:0015356.
Familial cancer of breast. Also called: BREAST CANCER, FAMILIAL; Hereditary breast cancer; hereditary breast carcinoma. Identifiers: Orphanet 227535, MedGen C0346153, MONDO:0016419, OMIM 114480. Disease mechanism: loss of function.

Allele frequency attached by ClinVar (database versions not stated): gnomAD exomes below 0.00001.
gnomAD v4.1: 1 of 1,612,024 alleles (0.000062%); no homozygotes.

Submissions (2):

Labcorp Genetics (formerly Invitae), Labcorp
Classification: Uncertain significance for Familial cancer of breast. Last evaluated: 2024-08-15. Review status: criteria provided, single submitter. Criteria: Invitae Variant Classification Sherloc (09022015). Collection method: clinical testing. Allele origin: germline.
Comment: This sequence change replaces glutamic acid, which is acidic and polar, with glycine, which is neutral and non-polar, at codon 429 of the CHEK2 protein (p.Glu429Gly). This variant is not present in population databases (gnomAD no frequency). This variant has not been reported in the literature in individuals affected with CHEK2-related conditions. ClinVar contains an entry for this variant (Variation ID: 142195). An algorithm developed to predict the effect of missense changes on protein structure and function (PolyPhen-2) suggests that this variant is likely to be tolerated. Algorithms developed to predict the effect of sequence changes on RNA splicing suggest that this variant may create or strengthen a splice site. In summary, the available evidence is currently insufficient to determine the role of this variant in disease. Therefore, it has been classified as a Variant of Uncertain Significance.

Ambry Genetics
Classification: Uncertain significance for Hereditary cancer-predisposing syndrome. Last evaluated: 2022-09-23. Review status: criteria provided, single submitter. Criteria: Ambry Variant Classification Scheme 2023. Collection method: clinical testing. Allele origin: germline.
Comment: The p.E429G variant (also known as c.1286A>G), located in coding exon 11 of the CHEK2 gene, results from an A to G substitution at nucleotide position 1286. The glutamic acid at codon 429 is replaced by glycine, an amino acid with similar properties. This amino acid position is highly conserved in available vertebrate species. In addition, the in silico prediction for this alteration is inconclusive. Since supporting evidence is limited at this time, the clinical significance of this alteration remains unclear.